The following is an entry in ClinVar:

NM_080425.4(GNAS):c.305dup (p.Met102fs)

Gene: GNAS (GNAS complex locus; plus strand). Cytogenetic location: 20q13.32.
Variant type: Duplication.
Coding change: c.305dup on transcript NM_080425.4 (MANE Plus Clinical); coding-DNA position 305, one base duplicated (T; older notation c.305dupT).
Protein change: p.Met102fs; shifts the reading frame from methionine 102.
Molecular consequence: frameshift variant. On other transcripts: intron variant (3).
Genome position (GRCh38, 1-based): chr20:58,853,570, T duplicated. VCF-style (leftmost placement, unchanged base first): chr20-58853569-A-AT. GRCh37 (hg19) VCF-style: chr20-57428624-A-AT.
Other names: c.118dup, p.Cys40fs (NM_001077490.3, NM_001309883.1); c.305dup, p.Met102fs (NM_001410913.1); c.*42+12684dup (NM_016592.5); c.43+12684dup (NM_001410912.1); c.-39+11695dup (NM_001309861.2); short protein forms C40fs, M102fs.
Identifiers: ClinVar variation 2503933 (VCV002503933.1), dbSNP rs1369818311, ClinGen allele CA746009976.

ClinVar aggregate classification (germline): Uncertain significance (1 of 4 stars; one submission).

Allele frequency attached by ClinVar (database versions not stated): gnomAD exomes below 0.00001; TOPMed below 0.00001.

Submission:

Women's Health and Genetics/Laboratory Corporation of America, LabCorp
Classification: Uncertain significance. Last evaluated: 2023-04-24. Review status: criteria provided, single submitter. Criteria: LabCorp Variant Classification Summary - May 2015. Collection method: clinical testing. Allele origin: germline.
Comment: Variant summary: GNAS c.-38157dupT is located in the untranscribed region upstream of the GNAS gene region. The variant was absent in 248412 control chromosomes. In other transcripts (NM_080425.3), the variant results in a frameshift, however according to the GTEx database, those transcripts are not highly expressed in tissues. The available data on variant occurrences in the general population are insufficient to allow any conclusion about variant significance. To our knowledge, no occurrence of c.-38157dupT in individuals affected with GNAS-Related Disorders and no experimental evidence demonstrating its impact on protein function have been reported. No clinical diagnostic laboratories have submitted clinical-significance assessments for this variant to ClinVar after 2014. Based on the evidence outlined above, the variant was classified as uncertain significance.